The following is an entry in ClinVar:

NM_198253.3(TERT):c.2464G>A (p.Gly822Ser)

Gene: TERT (telomerase reverse transcriptase; minus strand). Cytogenetic location: 5p15.33.
Variant type: single nucleotide variant.
Coding change: c.2464G>A on transcript NM_198253.3 (MANE Select); coding-DNA position 2464, G replaced by A.
Protein change: p.Gly822Ser; replaces glycine 822 with serine.
Molecular consequence: missense variant.
Genome position (GRCh38, 1-based): chr5:1,271,123, C>T on the plus strand (G>A on the coding strand, the complement: TERT is on the minus strand). VCF-style: chr5-1271123-C-T. GRCh37 (hg19) VCF-style: chr5-1271238-C-T.
Other names: c.2464G>A, p.Gly822Ser (NM_001193376.3); short protein forms G822S.
Identifiers: ClinVar variation 4561866 (VCV004561866.3).

ClinVar aggregate classification (germline): Uncertain significance. Review status: criteria provided, multiple submitters, no conflicts (2 of 4 stars). 2 submissions from 2 submitters: Uncertain significance (2). Last evaluated 2025-11-17.

Conditions:
Dyskeratosis congenita. Identifiers: Orphanet 1775, MedGen C0265965, MONDO:0015780.

Submissions (2):

Ambry Genetics
Classification: Uncertain significance for Dyskeratosis congenita. Last evaluated: 2025-11-17. Review status: criteria provided, single submitter. Criteria: Ambry Variant Classification Scheme 2023. Collection method: clinical testing. Allele origin: germline.
Comment: The p.G822S variant (also known as c.2464G>A), located in coding exon 8 of the TERT gene, results from a G to A substitution at nucleotide position 2464. The glycine at codon 822 is replaced by serine, an amino acid with similar properties. This amino acid position is not well conserved in available vertebrate species. In addition, this alteration is predicted to be tolerated by in silico analysis. Based on the available evidence, the clinical significance of this variant remains unclear.

Dasa
Classification: Uncertain significance. Last evaluated: 2025-07-07. Review status: criteria provided, single submitter. Criteria: DASA Assertion Criteria. Collection method: clinical testing. Allele origin: germline.
Comment: NM_198253.3(TERT):c.2464G>A (p.Gly822Ser) is a missense variant that results in the substitution of glycine with serine. This variant is absent from population databases. Computational prediction algorithms are consistent with a benign effect. The currently available literature and clinical evidence are not sufficient to establish a definitive association between this variant and the reported condition. Therefore, this variant is classified as a variant of uncertain significance.